The following is an entry in ClinVar:

ClinVar aggregate classification (germline): Conflicting classifications of pathogenicity. Review status: criteria provided, conflicting classifications (1 of 4 stars). 4 submissions from 4 submitters: Pathogenic (1); Likely pathogenic (2); Uncertain significance (1). Last evaluated 2025-08-22.

Conditions:
Charcot-Marie-Tooth disease axonal type 2V. Also called: CHARCOT-MARIE-TOOTH NEUROPATHY, TYPE 2V; CHARCOT-MARIE-TOOTH DISEASE, AXONAL, AUTOSOMAL DOMINANT, TYPE 2V. Identifiers: Orphanet 447964, MedGen C5569050, MONDO:0014665, OMIM 616491.
Mucopolysaccharidosis, MPS-III-B (MPS3B). Also called: Mucopolysaccharidosis type IIIB (Sanfilippo B); N-ACETYL-ALPHA-D-GLUCOSAMINIDASE DEFICIENCY; NAGLU DEFICIENCY; MUCOPOLYSACCHARIDOSIS, TYPE IIIB; MPS IIIB (Sanfilippo Syndrome Type B); SANFILIPPO SYNDROME B. Identifiers: Orphanet 79270, MedGen C0086648, MONDO:0009656, OMIM 252920.

Allele frequency attached by ClinVar (database versions not stated): TOPMed 0.00001; ESP Exome Variant Server 0.00008.
gnomAD v4.1: 4 of 1,612,150 alleles (0.00025%); highest among the groups gnomAD compares: Admixed American, 0.0067%; no homozygotes.

Submissions (4):

First Genomix Gene Laboratory, Genetic Diagnostics Department
Classification: Likely pathogenic for Mucopolysaccharidosis, MPS-III-B. Last evaluated: 2025-08-22. Review status: criteria provided, single submitter. Criteria: ACMG Guidelines, 2015. Collection method: clinical testing. Allele origin: germline. Inheritance: Autosomal recessive inheritance. Affected: no. Observed: 1 variant allele.

Natera, Inc.
Classification: Likely pathogenic for Mucopolysaccharidosis type IIIB. Last evaluated: 2024-08-13. Review status: criteria provided, single submitter. Criteria: Natera Variant Classification Schema (03/2026). Collection method: clinical testing. Allele origin: germline.
Comment: The c.1364A>G variant in NAGLU is a missense variant predicted to cause substitution of tyrosine to cysteine at amino acid 455. This variant is rare in the general population with a frequency below the threshold expected for the associated phenotype(s). This variant has been observed in one or more individuals affected with the associated recessive disease, as either homozygous or compound heterozygous with a second variant (PMID: 9443875). Functional studies show that this variant may disrupt protein function (PMID: 29979746). Computational prediction algorithms indicate this variant is likely to affect gene or protein function. Given the available evidence, this variant is classified as Likely Pathogenic.

Labcorp Genetics (formerly Invitae), Labcorp
Classification: Pathogenic for Charcot-Marie-Tooth disease axonal type 2V; Mucopolysaccharidosis, MPS-III-B. Last evaluated: 2024-07-20. Review status: criteria provided, single submitter. Criteria: Invitae Variant Classification Sherloc (09022015). Collection method: clinical testing. Allele origin: germline.
Comment: This sequence change replaces tyrosine, which is neutral and polar, with cysteine, which is neutral and slightly polar, at codon 455 of the NAGLU protein (p.Tyr455Cys). This variant is present in population databases (rs375103824, gnomAD 0.01%). This missense change has been observed in individual(s) with mucopolysaccharidosis type III (PMID: 9443875). ClinVar contains an entry for this variant (Variation ID: 92691). Advanced modeling of protein sequence and biophysical properties (such as structural, functional, and spatial information, amino acid conservation, physicochemical variation, residue mobility, and thermodynamic stability) performed at Invitae indicates that this missense variant is expected to disrupt NAGLU protein function with a positive predictive value of 95%. Experimental studies have shown that this missense change affects NAGLU function (PMID: 29979746). For these reasons, this variant has been classified as Pathogenic.

Eurofins Ntd Llc (ga)
Classification: Uncertain significance. Last evaluated: 2018-05-14. Review status: criteria provided, single submitter. Criteria: EGL ClinVar v180209 classification definitions. Collection method: clinical testing. Allele origin: germline. Observed: 4 variant alleles, 4 heterozygotes.

Literature cited by the submitters: PubMed 9443875 (cited by 3 submitters); PubMed 29979746 (cited by Natera, Inc. and Labcorp Genetics (formerly Invitae), Labcorp).

NM_000263.4(NAGLU):c.1364A>G (p.Tyr455Cys)

Gene: NAGLU (N-acetyl-alpha-glucosaminidase; plus strand). Cytogenetic location: 17q21.2.
Variant type: single nucleotide variant.
Coding change: c.1364A>G on transcript NM_000263.4 (MANE Select); coding-DNA position 1364, A replaced by G.
Protein change: p.Tyr455Cys; replaces tyrosine 455 with cysteine.
Molecular consequence: missense variant.
Genome position (GRCh38, 1-based): chr17:42,543,370, A>G. VCF-style: chr17-42543370-A-G. GRCh37 (hg19) VCF-style: chr17-40695388-A-G.
Other names: short protein forms Y455C.
Identifiers: ClinVar variation 92691 (VCV000092691.12), dbSNP rs375103824, ClinGen allele CA220552.